The following is an entry in ClinVar:

NM_015884.4(MBTPS2):c.917T>C (p.Ile306Thr)

Gene: MBTPS2 (membrane bound transcription factor peptidase, site 2; plus strand). Cytogenetic location: Xp22.12.
Variant type: single nucleotide variant.
Coding change: c.917T>C on transcript NM_015884.4 (MANE Select); coding-DNA position 917, T replaced by C.
Protein change: p.Ile306Thr; replaces isoleucine 306 with threonine.
Molecular consequence: missense variant.
Genome position (GRCh38, 1-based): chrX:21,869,625, T>C. VCF-style: chrX-21869625-T-C. GRCh37 (hg19) VCF-style: chrX-21887743-T-C.
Other names: c.917T>C (NM_015884.3); short protein forms I306T.
Identifiers: ClinVar variation 3021325 (VCV003021325.5), dbSNP rs769260473, ClinGen allele CA10367607.

ClinVar aggregate classification (germline): Conflicting classifications of pathogenicity. Review status: criteria provided, conflicting classifications (1 of 4 stars). 3 submissions from 3 submitters: Uncertain significance (2); Likely benign (1). Last evaluated 2025-11-24.

Conditions:
Inborn genetic diseases. Identifiers: MedGen C0950123, MeSH D030342.

Allele frequency attached by ClinVar (database versions not stated): ExAC 0.00001; gnomAD exomes 0.00001; TOPMed 0.00008; gnomAD 0.00012; 1000 Genomes Project 30x 0.00021; 1000 Genomes Project 0.00026.
gnomAD v4.1: 22 of 1,208,805 alleles (0.0018%); highest among the groups gnomAD compares: African/African-American, 0.033%; no homozygotes.

Submissions (3):

Ambry Genetics
Classification: Likely benign for Inborn genetic diseases. Last evaluated: 2025-11-24. Review status: criteria provided, single submitter. Criteria: Ambry Variant Classification Scheme 2023. Collection method: clinical testing. Allele origin: germline.

Women's Health and Genetics/Laboratory Corporation of America, LabCorp
Classification: Uncertain significance. Last evaluated: 2025-02-17. Review status: criteria provided, single submitter. Criteria: LabCorp Variant Classification Summary - May 2015. Collection method: clinical testing. Allele origin: germline.
Comment: Variant summary: MBTPS2 c.917T>C (p.Ile306Thr) results in a non-conservative amino acid change in the encoded protein sequence. Three of five in-silico tools predict a benign effect of the variant on protein function. The variant allele was found at a frequency of 2.2e-05 in 183489 control chromosomes. The available data on variant occurrences in the general population are insufficient to allow any conclusion about variant significance. To our knowledge, no occurrence of c.917T>C in individuals affected with MBTPS2-Related Disorders and no experimental evidence demonstrating its impact on protein function have been reported. ClinVar contains an entry for this variant (Variation ID: 3021325). Based on the evidence outlined above, the variant was classified as uncertain significance.

Labcorp Genetics (formerly Invitae), Labcorp
Classification: Uncertain significance. Last evaluated: 2022-11-12. Review status: criteria provided, single submitter. Criteria: Invitae Variant Classification Sherloc (09022015). Collection method: clinical testing. Allele origin: germline.
Comment: This sequence change replaces isoleucine, which is neutral and non-polar, with threonine, which is neutral and polar, at codon 306 of the MBTPS2 protein (p.Ile306Thr). This variant is present in population databases (rs769260473, gnomAD 0.02%). This variant has not been reported in the literature in individuals affected with MBTPS2-related conditions. Advanced modeling of protein sequence and biophysical properties (such as structural, functional, and spatial information, amino acid conservation, physicochemical variation, residue mobility, and thermodynamic stability) performed at Invitae indicates that this missense variant is not expected to disrupt MBTPS2 protein function. In summary, the available evidence is currently insufficient to determine the role of this variant in disease. Therefore, it has been classified as a Variant of Uncertain Significance.